The following is an entry in ClinVar:

ClinVar aggregate classification (germline): Uncertain significance. Review status: criteria provided, multiple submitters, no conflicts (2 of 4 stars). 2 submissions from 2 submitters: Uncertain significance (2). Last evaluated 2025-11-23.

Conditions:
Inborn genetic diseases. Identifiers: MedGen C0950123, MeSH D030342.

Allele frequency attached by ClinVar (database versions not stated): gnomAD exomes 0.00001; TOPMed 0.00001.
gnomAD v4.1: 20 of 1,613,504 alleles (0.0012%); highest among the groups gnomAD compares: Non-Finnish European, 0.0014%; no homozygotes.

Submissions (2):

Labcorp Genetics (formerly Invitae), Labcorp
Classification: Uncertain significance. Last evaluated: 2025-11-23. Review status: criteria provided, single submitter. Criteria: Invitae Variant Classification Sherloc (09022015). Collection method: clinical testing. Allele origin: germline.
Comment: This sequence change replaces threonine, which is neutral and polar, with alanine, which is neutral and non-polar, at codon 421 of the SAMD9L protein (p.Thr421Ala). This variant is not present in population databases (gnomAD no frequency). This variant has not been reported in the literature in individuals affected with SAMD9L-related conditions. ClinVar contains an entry for this variant (Variation ID: 1393076). Invitae Evidence Modeling of protein sequence and biophysical properties (such as structural, functional, and spatial information, amino acid conservation, physicochemical variation, residue mobility, and thermodynamic stability) indicates that this missense variant is not expected to disrupt SAMD9L protein function with a negative predictive value of 80%. In summary, the available evidence is currently insufficient to determine the role of this variant in disease. Therefore, it has been classified as a Variant of Uncertain Significance.

Ambry Genetics
Classification: Uncertain significance for Inborn genetic diseases. Last evaluated: 2025-06-03. Review status: criteria provided, single submitter. Criteria: Ambry Variant Classification Scheme 2023. Collection method: clinical testing. Allele origin: germline.

NM_152703.5(SAMD9L):c.1261A>G (p.Thr421Ala)

Gene: SAMD9L (sterile alpha motif domain containing 9 like; minus strand). Cytogenetic location: 7q21.2.
Variant type: single nucleotide variant.
Coding change: c.1261A>G on transcript NM_152703.5 (MANE Select); coding-DNA position 1261, A replaced by G.
Protein change: p.Thr421Ala; replaces threonine 421 with alanine.
Molecular consequence: missense variant.
Genome position (GRCh38, 1-based): chr7:93,134,711, T>C on the plus strand (A>G on the coding strand, the complement: SAMD9L is on the minus strand). VCF-style: chr7-93134711-T-C. GRCh37 (hg19) VCF-style: chr7-92764024-T-C.
Other names: c.1261A>G, p.Thr421Ala (NM_001303496.3, NM_001303497.3, NM_001303498.3 and 5 more transcripts); c.1261A>G (NM_152703.2); short protein forms T421A.
Identifiers: ClinVar variation 1393076 (VCV001393076.8), dbSNP rs967871906, ClinGen allele CA161962522.